The following is an entry in ClinVar:

NM_001794.5(CDH4):c.416T>A (p.Val139Asp)

Gene: CDH4 (cadherin 4; plus strand). Cytogenetic location: 20q13.33.
Variant type: single nucleotide variant.
Coding change: c.416T>A on transcript NM_001794.5 (MANE Select); coding-DNA position 416, T replaced by A.
Protein change: p.Val139Asp; replaces valine 139 with aspartic acid.
Molecular consequence: missense variant.
Genome position (GRCh38, 1-based): chr20:61,773,022, T>A. VCF-style: chr20-61773022-T-A. GRCh37 (hg19) VCF-style: chr20-60348078-T-A.
Other names: c.305T>A, p.Val102Asp (NM_001252338.2); c.194T>A, p.Val65Asp (NM_001252339.3); short protein forms V139D, V102D, V65D.
Identifiers: ClinVar variation 3141285 (VCV003141285.2), dbSNP rs187067332, ClinGen allele CA9934362.
Genomic context (GRCh38, chr20:61,773,022, plus strand): 5'-ACTGGACTTCTCTGCCTCTTCTCTCCCCTTTCCAAATAAAGCCGCAGAAAGGAAAGAAGG[T>A]CGTGGCTCTGGACCCCTCTCCGCCTCCGAAGGACACCCTGCTGCCGTGGCCCCAGCACCA-3'
Protein context (NP_001785.2, residues 129-149): SGHKPQKGKK[Val139Asp]VALDPSPPPK

ClinVar aggregate classification (germline): Uncertain significance (1 of 4 stars; one submission).

Allele frequency attached by ClinVar (database versions not stated): 1000 Genomes Project 30x 0.00031; ExAC 0.00008; TOPMed 0.00012; gnomAD exomes 0.00007; gnomAD 0.00009; 1000 Genomes Project 0.00040.
gnomAD v4.1: 116 of 1,611,414 alleles (0.0072%); highest among the groups gnomAD compares: Middle Eastern, 0.17%; no homozygotes.

Submission:

Ambry Genetics
Classification: Uncertain significance. Last evaluated: 2026-04-28. Review status: criteria provided, single submitter. Criteria: Ambry Variant Classification Scheme 2023. Collection method: clinical testing. Allele origin: germline.
Comment: The c.416T>A (p.V139D) alteration is located in exon 4 (coding exon 4) of the CDH4 gene. This alteration results from a T to A substitution at nucleotide position 416, causing the valine (V) at amino acid position 139 to be replaced by an aspartic acid (D). Based on data from gnomAD, the A allele has an overall frequency of 0.009% (23/249494) total alleles studied. The highest observed frequency was 0.033% (2/6060) of Other alleles. Based on insufficient or conflicting evidence, the clinical significance of this alteration remains unclear.